The following is an entry in ClinVar:

ClinVar aggregate classification (germline): Uncertain significance. Review status: criteria provided, multiple submitters, no conflicts (2 of 4 stars). 2 submissions from 2 submitters: Uncertain significance (2). Last evaluated 2026-07-07.

Conditions:
Hereditary cancer-predisposing syndrome. Also called: Hereditary Cancer Syndrome; Hereditary neoplastic syndrome; Neoplastic Syndromes, Hereditary; Tumor predisposition. Identifiers: Orphanet 140162, MedGen C0027672, MeSH D009386, MONDO:0015356.

Submissions (2):

Ambry Genetics
Classification: Uncertain significance for Hereditary cancer-predisposing syndrome. Last evaluated: 2026-07-07. Review status: criteria provided, single submitter. Criteria: Ambry Variant Classification Scheme 2023. Collection method: clinical testing. Allele origin: germline.
Comment: The p.D705H variant (also known as c.2113G>C), located in coding exon 15 of the MSH3 gene, results from a G to C substitution at nucleotide position 2113. The aspartic acid at codon 705 is replaced by histidine, an amino acid with similar properties. This amino acid position is conserved. In addition, this alteration is predicted to be deleterious by in silico analysis. Based on the available evidence, the clinical significance of this variant remains unclear.

Labcorp Genetics (formerly Invitae), Labcorp
Classification: Uncertain significance. Last evaluated: 2023-09-03. Review status: criteria provided, single submitter. Criteria: Invitae Variant Classification Sherloc (09022015). Collection method: clinical testing. Allele origin: germline.
Comment: An algorithm developed to predict the effect of missense changes on protein structure and function (PolyPhen-2) suggests that this variant is likely to be disruptive. In summary, the available evidence is currently insufficient to determine the role of this variant in disease. Therefore, it has been classified as a Variant of Uncertain Significance. RNA analysis performed to evaluate the impact of this missense change on mRNA splicing indicates it does not significantly alter splicing (Invitae). This variant has not been reported in the literature in individuals affected with MSH3-related conditions. This variant is not present in population databases (gnomAD no frequency). This sequence change replaces aspartic acid, which is acidic and polar, with histidine, which is basic and polar, at codon 705 of the MSH3 protein (p.Asp705His).

NM_002439.5(MSH3):c.2113G>C (p.Asp705His)

Gene: MSH3 (mutS homolog 3; plus strand). Cytogenetic location: 5q14.1.
Variant type: single nucleotide variant.
Coding change: c.2113G>C on transcript NM_002439.5 (MANE Select); coding-DNA position 2113, G replaced by C.
Protein change: p.Asp705His; replaces aspartic acid 705 with histidine.
Molecular consequence: missense variant.
Genome position (GRCh38, 1-based): chr5:80,768,863, G>C. VCF-style: chr5-80768863-G-C. GRCh37 (hg19) VCF-style: chr5-80064682-G-C.
Other names: c.2113G>C (NM_002439.3); short protein forms D705H.
Identifiers: ClinVar variation 2747543 (VCV002747543.4), dbSNP rs2112885119, ClinGen allele CA360279263.
Genomic context (GRCh38, chr5:80,768,863, plus strand): 5'-CGAATATGTATTTGCATGTTTTGATTTTTTAGAGTTGGGGATAAAACTGAATTATTTAAA[G>C]ACCTTTCTGACTTCCCTTTAATAAAAAAGAGGAAGGATGAAATTCAAGGTGTTATTGACG-3'
Protein context (NP_002430.3, residues 695-715): KVGDKTELFK[Asp705His]LSDFPLIKKR